The following is an entry in ClinVar:

NM_000535.7(PMS2):c.816C>G (p.Phe272Leu)

Gene: PMS2 (PMS1 homolog 2, mismatch repair system component; minus strand). Cytogenetic location: 7p22.1.
Variant type: single nucleotide variant.
Coding change: c.816C>G on transcript NM_000535.7 (MANE Select); coding-DNA position 816, C replaced by G.
Protein change: p.Phe272Leu; replaces phenylalanine 272 with leucine.
Molecular consequence: missense variant. On other transcripts: 5 prime UTR variant (2), non-coding transcript variant (1), intron variant (4).
Genome position (GRCh38, 1-based): chr7:5,995,621, G>C on the plus strand (C>G on the coding strand, the complement: PMS2 is on the minus strand). VCF-style: chr7-5995621-G-C. GRCh37 (hg19) VCF-style: chr7-6035252-G-C.
Other names: c.411C>G, p.Phe137Leu (NM_001018040.1, NM_001322003.2, NM_001322004.2 and 20 more transcripts); c.816C>G, p.Phe272Leu (NM_001322006.2, NM_001322014.2, NM_001406870.1 and 2 more transcripts); c.498C>G, p.Phe166Leu (NM_001322007.2, NM_001322008.2, NM_001406876.1 and 4 more transcripts); c.-118C>G (NM_001322011.2, NM_001322012.2); c.243C>G, p.Phe81Leu (NM_001322013.2, NM_001406909.1); c.507C>G, p.Phe169Leu (NM_001322015.2, NM_001406875.1, NM_001406877.1 and 6 more transcripts); c.1002C>G, p.Phe334Leu (NM_001406866.1); c.840C>G, p.Phe280Leu (NM_001406868.1); and 8 more; short protein forms F101L, F169L, F81L, F160L, F216L, F137L, F166L, F236L.
Identifiers: ClinVar variation 2774142 (VCV002774142.2), dbSNP rs2536155837, ClinGen allele CA366743559.

ClinVar aggregate classification (germline): Uncertain significance (1 of 4 stars; one submission).

Conditions:
Hereditary cancer-predisposing syndrome. Also called: Hereditary neoplastic syndrome; Hereditary Cancer Syndrome; Neoplastic Syndromes, Hereditary; Tumor predisposition. Identifiers: Orphanet 140162, MedGen C0027672, MeSH D009386, MONDO:0015356.

Submission:

Color Diagnostics, LLC DBA Color Health
Classification: Uncertain significance for Hereditary cancer-predisposing syndrome. Last evaluated: 2024-03-06. Review status: criteria provided, single submitter. Criteria: ACMG Guidelines, 2015. Collection method: clinical testing. Allele origin: germline.
Comment: This missense variant replaces phenylalanine with leucine at codon 272 of the PMS2 protein. Computational prediction is inconclusive regarding the impact of this variant on protein structure and function (internally defined REVEL score threshold 0.5 < inconclusive < 0.7, PMID: 27666373). To our knowledge, functional studies have not been reported for this variant. This variant has not been reported in individuals affected with hereditary cancer in the literature. This variant has not been identified in the general population by the Genome Aggregation Database (gnomAD). The available evidence is insufficient to determine the role of this variant in disease conclusively. Therefore, this variant is classified as a Variant of Uncertain Significance.